The following is an entry in ClinVar:

NM_000113.3(TOR1A):c.949A>T (p.Lys317Ter)

Gene: TOR1A (torsin family 1 member A; minus strand). Cytogenetic location: 9q34.11.
Variant type: single nucleotide variant.
Coding change: c.949A>T on transcript NM_000113.3 (MANE Select); coding-DNA position 949, A replaced by T.
Protein change: p.Lys317Ter; replaces lysine 317 with a stop codon.
Molecular consequence: nonsense.
Genome position (GRCh38, 1-based): chr9:129,814,022, T>A on the plus strand (A>T on the coding strand, the complement: TOR1A is on the minus strand). VCF-style: chr9-129814022-T-A. GRCh37 (hg19) VCF-style: chr9-132576301-T-A.
Other names: short protein forms K317*.
Identifiers: ClinVar variation 929450 (VCV000929450.1), dbSNP rs1564181992, ClinGen allele CA375197446.
Genomic context (GRCh38, chr9:129,814,022, plus strand): 5'-ATCATGACTGTCAATCATCGTAGTAATAATCTAACTTGGTGAACACCGTTTTGCAGCCTT[T>A]ATCTGAGAAAACTCTCTCCTCTTTGGGGAAAAATGTCATCTCCTCAGCCACTCTGCTTAC-3'

ClinVar aggregate classification (germline): Uncertain significance (1 of 4 stars; one submission).

Allele frequency attached by ClinVar (database versions not stated): gnomAD exomes below 0.00001.
gnomAD v4.1: 1 of 1,614,234 alleles (0.000062%); highest among the groups gnomAD compares: Admixed American, 0.0017%; no homozygotes.

Submission:

HudsonAlpha Institute for Biotechnology
Classification: Uncertain significance. Last evaluated: 2020-04-17. Review status: criteria provided, single submitter. Criteria: ACMG Guidelines, 2015. Collection method: research. Allele origin: unknown. Observed: 1 variant allele. Study: CSER-SouthSeq.
Comment: ACMG codes: PM2, PP3